The following is an entry in ClinVar:

ClinVar aggregate classification (germline): Uncertain significance (1 of 4 stars; one submission).

Conditions:
Hereditary cancer-predisposing syndrome. Also called: Neoplastic Syndromes, Hereditary; Hereditary neoplastic syndrome; Tumor predisposition; Hereditary Cancer Syndrome. Identifiers: Orphanet 140162, MedGen C0027672, MeSH D009386, MONDO:0015356.

Submission:

Ambry Genetics
Classification: Uncertain significance for Hereditary cancer-predisposing syndrome. Last evaluated: 2026-02-09. Review status: criteria provided, single submitter. Criteria: Ambry Variant Classification Scheme 2023. Collection method: clinical testing. Allele origin: germline.
Comment: The c.1559A>T variant (also known as p.K520M), located in coding exon 11 of the FLCN gene, results from an A to T substitution at nucleotide position 1559. The lysine at codon 520 is replaced by methionine, an amino acid with similar properties. This nucleotide position is highly conserved in available vertebrate species. In silico splice site analysis predicts that this alteration will result in the creation or strengthening of a novel splice acceptor site; however, direct evidence is insufficient at this time (Ambry internal data). This amino acid position is highly conserved in available vertebrate species. In addition, as a missense, this alteration is predicted to be deleterious by in silico analysis. Based on the available evidence, the clinical significance of this variant remains unclear.

NM_144997.7(FLCN):c.1559A>T (p.Lys520Met)

Gene: FLCN (folliculin; minus strand). Cytogenetic location: 17p11.2.
Variant type: single nucleotide variant.
Coding change: c.1559A>T on transcript NM_144997.7 (MANE Select); coding-DNA position 1559, A replaced by T.
Protein change: p.Lys520Met; replaces lysine 520 with methionine.
Molecular consequence: missense variant.
Genome position (GRCh38, 1-based): chr17:17,213,836, T>A on the plus strand (A>T on the coding strand, the complement: FLCN is on the minus strand). VCF-style: chr17-17213836-T-A. GRCh37 (hg19) VCF-style: chr17-17117150-T-A.
Other names: c.1613A>T, p.Lys538Met (NM_001353229.2); c.1559A>T, p.Lys520Met (NM_001353230.2, NM_001353231.2); short protein forms K538M, K520M.
Identifiers: ClinVar variation 4824720 (VCV004824720.1).